The following is an entry in ClinVar:

ClinVar aggregate classification (germline): Uncertain significance (1 of 4 stars; one submission).

Conditions:
WFS1-related disorder. Identifiers: MedGen CN379391, MONDO:0700293.

Submission:

PreventionGenetics, part of Exact Sciences
Classification: Uncertain significance for WFS1-related condition. Last evaluated: 2023-10-11. Review status: criteria provided, single submitter. Criteria: ACMG Guidelines, 2015. Collection method: clinical testing. Allele origin: germline.
Comment: The WFS1 c.683_684delinsTG variant is predicted to result in an in-frame deletion and insertion. To our knowledge, this variant has not been reported in the literature or in a large population database, indicating this variant is rare. At this time, the clinical significance of this variant is uncertain due to the absence of conclusive functional and genetic evidence.

NM_006005.3(WFS1):c.683_684delinsTG (p.Arg228Leu)

Gene: WFS1 (wolframin ER transmembrane glycoprotein; plus strand). Cytogenetic location: 4p16.1.
Variant type: Indel.
Coding change: c.683_684delinsTG on transcript NM_006005.3 (MANE Select); coding-DNA positions 683 to 684, GC replaced by TG.
Protein change: p.Arg228Leu; replaces arginine 228 with leucine.
Molecular consequence: missense variant.
Genome position (GRCh38, 1-based): chr4:6,291,968-6,291,969, GC replaced by TG. VCF-style: chr4-6291968-GC-TG. GRCh37 (hg19) VCF-style: chr4-6293695-GC-TG.
Other names: c.683_684delinsTG, p.Arg228Leu (NM_001145853.1); short protein forms R228L.
Identifiers: ClinVar variation 2633953 (VCV002633953.1), dbSNP rs2109117184, ClinGen allele CA2695199362.